The following is an entry in ClinVar:

ClinVar aggregate classification (germline): Uncertain significance. Review status: criteria provided, multiple submitters, no conflicts (2 of 4 stars). 2 submissions from 2 submitters: Uncertain significance (2). Last evaluated 2024-03-12.

Conditions:
Hereditary cancer-predisposing syndrome. Also called: Neoplastic Syndromes, Hereditary; Tumor predisposition; Hereditary neoplastic syndrome; Hereditary Cancer Syndrome. Identifiers: Orphanet 140162, MedGen C0027672, MeSH D009386, MONDO:0015356.

Submissions (2):

Labcorp Genetics (formerly Invitae), Labcorp
Classification: Uncertain significance. Last evaluated: 2024-03-12. Review status: criteria provided, single submitter. Criteria: Invitae Variant Classification Sherloc (09022015). Collection method: clinical testing. Allele origin: germline.
Comment: This sequence change replaces lysine, which is basic and polar, with glutamic acid, which is acidic and polar, at codon 223 of the MSH3 protein (p.Lys223Glu). This variant is not present in population databases (gnomAD no frequency). This variant has not been reported in the literature in individuals affected with MSH3-related conditions. ClinVar contains an entry for this variant (Variation ID: 2451046). An algorithm developed to predict the effect of missense changes on protein structure and function (PolyPhen-2) suggests that this variant is likely to be tolerated. In summary, the available evidence is currently insufficient to determine the role of this variant in disease. Therefore, it has been classified as a Variant of Uncertain Significance.

Ambry Genetics
Classification: Uncertain significance for Hereditary cancer-predisposing syndrome. Last evaluated: 2022-11-23. Review status: criteria provided, single submitter. Criteria: Ambry Variant Classification Scheme 2023. Collection method: clinical testing. Allele origin: germline.
Comment: The p.K223E variant (also known as c.667A>G), located in coding exon 4 of the MSH3 gene, results from an A to G substitution at nucleotide position 667. The lysine at codon 223 is replaced by glutamic acid, an amino acid with similar properties. This amino acid position is conserved. In addition, the in silico prediction for this alteration is inconclusive. Since supporting evidence is limited at this time, the clinical significance of this alteration remains unclear.

NM_002439.5(MSH3):c.667A>G (p.Lys223Glu)

Gene: MSH3 (mutS homolog 3; plus strand). Cytogenetic location: 5q14.1.
Variant type: single nucleotide variant.
Coding change: c.667A>G on transcript NM_002439.5 (MANE Select); coding-DNA position 667, A replaced by G.
Protein change: p.Lys223Glu; replaces lysine 223 with glutamic acid.
Molecular consequence: missense variant.
Genome position (GRCh38, 1-based): chr5:80,670,184, A>G. VCF-style: chr5-80670184-A-G. GRCh37 (hg19) VCF-style: chr5-79966003-A-G.
Other names: short protein forms K223E.
Identifiers: ClinVar variation 2451046 (VCV002451046.4), dbSNP rs2112812231, ClinGen allele CA360266694.